The following is an entry in ClinVar:

NM_004631.5(LRP8):c.1011G>A (p.Leu337=)

Gene: LRP8 (LDL receptor related protein 8; minus strand). Cytogenetic location: 1p32.3.
Variant type: single nucleotide variant.
Coding change: c.1011G>A on transcript NM_004631.5 (MANE Select); coding-DNA position 1011, G replaced by A.
Protein change: p.Leu337=; no amino-acid change (leucine 337 retained).
Molecular consequence: synonymous variant.
Genome position (GRCh38, 1-based): chr1:53,271,342, C>T on the plus strand (G>A on the coding strand, the complement: LRP8 is on the minus strand). VCF-style: chr1-53271342-C-T. GRCh37 (hg19) VCF-style: chr1-53737014-C-T.
Other names: c.1011G>A, p.Leu337= (NM_001018054.3); c.624G>A, p.Leu208= (NM_017522.5); c.501G>A, p.Leu167= (NM_033300.4).
Identifiers: ClinVar variation 3046903 (VCV003046903.2), dbSNP rs769819834, ClinGen allele CA860307.

ClinVar aggregate classification (germline): Likely benign (0 of 4 stars; one submission).

Conditions:
LRP8-related disorder. Also called: LRP8-related condition.

Allele frequency attached by ClinVar (database versions not stated): gnomAD 0.00005; gnomAD exomes 0.00005; TOPMed 0.00005; ExAC 0.00012.
gnomAD v4.1: 80 of 1,613,918 alleles (0.005%); highest among the groups gnomAD compares: Admixed American, 0.027%; no homozygotes.

Submission:

PreventionGenetics, part of Exact Sciences
Classification: Likely benign for LRP8-related condition. Last evaluated: 2022-01-12. Review status: no assertion criteria provided. Collection method: clinical testing. Allele origin: germline.
Comment: This variant is classified as likely benign based on ACMG/AMP sequence variant interpretation guidelines (Richards et al. 2015 PMID: 25741868, with internal and published modifications).